The following is an entry in ClinVar:

NM_000163.5(GHR):c.1536C>T (p.Ser512=)

Gene: GHR (growth hormone receptor; plus strand). Cytogenetic location: 5p12.
Variant type: single nucleotide variant.
Coding change: c.1536C>T on transcript NM_000163.5 (MANE Select); coding-DNA position 1536, C replaced by T.
Protein change: p.Ser512=; no amino-acid change (serine 512 retained).
Molecular consequence: synonymous variant. On other transcripts: 3 prime UTR variant (1).
Genome position (GRCh38, 1-based): chr5:42,719,043, C>T. VCF-style: chr5-42719043-C-T. GRCh37 (hg19) VCF-style: chr5-42719145-C-T.
Other names: c.1557C>T, p.Ser519= (NM_001242399.2); c.1536C>T, p.Ser512= (NM_001242400.2, NM_001242401.4, NM_001242402.2 and 4 more transcripts); c.1470C>T, p.Ser490= (NM_001242460.2); c.*578C>T (NM_001242462.1); c.1536C>T (NM_000163.4).
Identifiers: ClinVar variation 1941786 (VCV001941786.8), dbSNP rs34556793, ClinGen allele CA3254662.
Genomic context (GRCh38, chr5:42,719,043, plus strand): 5'-CATTACACCAGCAGGTAGTGTGGTCCTTTCCCCGGGCCAAAAGAATAAGGCAGGGATGTC[C>T]CAATGTGACATGCACCCGGAAATGGTCTCACTCTGCCAAGAAAACTTCCTTATGGACAAT-3'
Protein context (NP_000154.1, residues 502-522): SPGQKNKAGM[Ser512=]QCDMHPEMVS

ClinVar aggregate classification (germline): Likely benign. Review status: criteria provided, multiple submitters, no conflicts (2 of 4 stars). 3 submissions from 3 submitters: Likely benign (2). 1 of the submissions does not count toward it. Last evaluated 2025-12-30.

Conditions:
GHR-related disorder. Also called: GHR-related condition.

Allele frequency attached by ClinVar (database versions not stated): TOPMed 0.00002; gnomAD 0.00004; gnomAD exomes 0.00014; ExAC 0.00025.
gnomAD v4.1: 201 of 1,608,730 alleles (0.012%); highest among the groups gnomAD compares: South Asian, 0.22%; no homozygotes.

Submissions (3):

Labcorp Genetics (formerly Invitae), Labcorp
Classification: Likely benign. Last evaluated: 2025-12-30. Review status: criteria provided, single submitter. Criteria: Invitae Variant Classification Sherloc (09022015). Collection method: clinical testing. Allele origin: germline.

Women's Health and Genetics/Laboratory Corporation of America, LabCorp
Classification: Likely benign. Last evaluated: 2025-10-03. Review status: criteria provided, single submitter. Criteria: LabCorp Variant Classification Summary - May 2015. Collection method: clinical testing. Allele origin: germline.

PreventionGenetics, part of Exact Sciences
Classification: Likely benign for GHR-related condition. Last evaluated: 2023-12-04. Review status: no assertion criteria provided. Collection method: clinical testing. Allele origin: germline. Not counted in ClinVar's aggregate classification.
Comment: This variant is classified as likely benign based on ACMG/AMP sequence variant interpretation guidelines (Richards et al. 2015 PMID: 25741868, with internal and published modifications).